The following is an entry in ClinVar:

ClinVar aggregate classification (germline): Pathogenic (1 of 4 stars; one submission).

Conditions:
Autosomal dominant Alport syndrome (ATS3A). Also called: Alport syndrome dominant type; Renal failure and sensorineural hearing loss; ALPORT SYNDROME 3A, AUTOSOMAL DOMINANT. Identifiers: Orphanet 63, Orphanet 88918, MedGen C5882663, MONDO:0007086, OMIM 104200.

Submission:

Centro de Bioquimica y Genetica Clinica, Servicio Murciano de Salud
Classification: Pathogenic for Autosomal dominant Alport syndrome. Last evaluated: 2022-05-04. Review status: criteria provided, single submitter. Criteria: ACMG Guidelines, 2015. Collection method: clinical testing. Allele origin: unknown. Inheritance: Autosomal dominant inheritance. Affected: yes. Observed: 4 variant alleles, 4 heterozygotes. Clinical features observed: Sensorineural hearing loss disorder (HP:0000407), Proteinuria (HP:0000093), Hematuria (HP:0000790).
Comment: The Cys55* variant in COL4A4 has been identified in three Spanish families with clinical suspicion of Alport syndrome; and was absent from large population studies (gnomAD, 1000 genomes, ExAC, ESP6500). The change c.165C>A induces an early termination codon and is predicted to result in a truncated protein or mRNA subject to nonsense-mediated decay. Based on the classification scheme ACMG guidelines, this variant is classified as Pathogenic (PVS1,PM2,PS4).

NM_000092.5(COL4A4):c.165C>A (p.Cys55Ter)

Gene: COL4A4 (collagen type IV alpha 4 chain; minus strand). Cytogenetic location: 2q36.3.
Variant type: single nucleotide variant.
Coding change: c.165C>A on transcript NM_000092.5 (MANE Select); coding-DNA position 165, C replaced by A.
Protein change: p.Cys55Ter; replaces cysteine 55 with a stop codon.
Molecular consequence: nonsense.
Genome position (GRCh38, 1-based): chr2:227,140,188, G>T on the plus strand (C>A on the coding strand, the complement: COL4A4 is on the minus strand). VCF-style: chr2-227140188-G-T. GRCh37 (hg19) VCF-style: chr2-228004904-G-T.
Other names: short protein forms C55*.
Identifiers: ClinVar variation 1683494 (VCV001683494.3), dbSNP rs768245333, ClinGen allele CA350866319.